The following is an entry in ClinVar:

ClinVar aggregate classification (germline): Uncertain significance (1 of 4 stars; one submission).

Conditions:
Osteopathia striata with cranial sclerosis (OSCS). Also called: HYPEROSTOSIS GENERALISATA WITH STRIATIONS. Identifiers: Orphanet 2780, MedGen C0432268, MONDO:0010310, OMIM 300373.

Submission:

Laboratorio de Genetica e Diagnostico Molecular, Hospital Israelita Albert Einstein
Classification: Uncertain significance for Osteopathia striata with cranial sclerosis. Last evaluated: 2022-11-12. Review status: criteria provided, single submitter. Criteria: ACMG Guidelines, 2015. Collection method: clinical testing. Allele origin: germline. Affected: yes.
Comment: ACMG classification criteria: PM2 moderated, BP4 supporting

NM_152424.4(AMER1):c.3369C>G (p.Ser1123Arg)

Gene: AMER1 (APC membrane recruitment protein 1; minus strand). Cytogenetic location: Xq11.2.
Variant type: single nucleotide variant.
Coding change: c.3369C>G on transcript NM_152424.4 (MANE Select); coding-DNA position 3369, C replaced by G.
Protein change: p.Ser1123Arg; replaces serine 1123 with arginine.
Molecular consequence: missense variant.
Genome position (GRCh38, 1-based): chrX:64,189,918, G>C on the plus strand (C>G on the coding strand, the complement: AMER1 is on the minus strand). VCF-style: chrX-64189918-G-C. GRCh37 (hg19) VCF-style: chrX-63409798-G-C.
Other names: short protein forms S1123R.
Identifiers: ClinVar variation 2431812 (VCV002431812.2), dbSNP rs1027220324, ClinGen allele CA329954707.